The following is an entry in ClinVar:

NM_004360.5(CDH1):c.2109A>T (p.Ala703=)

Gene: CDH1 (cadherin 1; plus strand). Cytogenetic location: 16q22.1.
Variant type: single nucleotide variant.
Coding change: c.2109A>T on transcript NM_004360.5 (MANE Select); coding-DNA position 2109, A replaced by T.
Protein change: p.Ala703=; no amino-acid change (alanine 703 retained).
Molecular consequence: synonymous variant.
Genome position (GRCh38, 1-based): chr16:68,823,571, A>T. VCF-style: chr16-68823571-A-T. GRCh37 (hg19) VCF-style: chr16-68857474-A-T.
Other names: c.2109A>T (LRG_301t1); c.1926A>T, p.Ala642= (NM_001317184.2); c.561A>T, p.Ala187= (NM_001317185.2); c.144A>T, p.Ala48= (NM_001317186.2).
Identifiers: ClinVar variation 485472 (VCV000485472.7), dbSNP rs1555517144, ClinGen allele CA496392457.

ClinVar aggregate classification (germline): Benign/Likely benign. Review status: criteria provided, multiple submitters, no conflicts (2 of 4 stars). 3 submissions from 3 submitters: Benign (1); Likely benign (2). Last evaluated 2024-09-20.

Conditions:
Hereditary cancer-predisposing syndrome. Also called: Hereditary neoplastic syndrome; Neoplastic Syndromes, Hereditary; Tumor predisposition; Hereditary Cancer Syndrome. Identifiers: Orphanet 140162, MedGen C0027672, MeSH D009386, MONDO:0015356.
Hereditary diffuse gastric adenocarcinoma (HDGC). Also called: DIFFUSE GASTRIC AND LOBULAR BREAST CANCER SYNDROME. Identifiers: Orphanet 26106, MedGen C1708349, MONDO:0007648, OMIM 137215.

Submissions (3):

Myriad Genetics, Inc.
Classification: Benign for Hereditary diffuse gastric adenocarcinoma. Last evaluated: 2024-09-20. Review status: criteria provided, single submitter. Criteria: Myriad Autosomal Dominant, Autosomal Recessive and X-Linked Classification Criteria (2023). Collection method: clinical testing. Allele origin: unknown.
Comment: This variant is considered benign. This variant is a silent/synonymous amino acid change and it is not expected to impact splicing.

Color Diagnostics, LLC DBA Color Health
Classification: Likely benign for Hereditary cancer-predisposing syndrome. Last evaluated: 2023-09-18. Review status: criteria provided, single submitter. Criteria: ACMG Guidelines, 2015. Collection method: clinical testing. Allele origin: germline.

Ambry Genetics
Classification: Likely benign for Hereditary cancer-predisposing syndrome. Last evaluated: 2016-02-29. Review status: criteria provided, single submitter. Criteria: Ambry Variant Classification Scheme 2023. Collection method: clinical testing. Allele origin: germline.